The following is an entry in ClinVar:

ClinVar aggregate classification (germline): Conflicting classifications of pathogenicity. Review status: criteria provided, conflicting classifications (1 of 4 stars). 6 submissions from 6 submitters: Likely pathogenic (3); Uncertain significance (2). 1 of the submissions does not count toward it. Last evaluated 2026-01-21.

Conditions:
Polycystic kidney disease 4 (PKD4). Also called: POLYCYSTIC KIDNEY DISEASE 4 WITH OR WITHOUT POLYCYSTIC LIVER DISEASE; Autosomal Recessive Polycystic Kidney Disease – PKHD1; PKD3; POLYCYSTIC KIDNEY AND HEPATIC DISEASE 1; POLYCYSTIC KIDNEY DISEASE, INFANTILE, TYPE I. Identifiers: MedGen C4540575, MONDO:0033004, OMIM 263200.
PKHD1-related disorder. Also called: PKHD1-related condition.
Autosomal recessive polycystic kidney disease (ARPKD). Also called: AR polycystic kidney disease. Identifiers: Orphanet 731, Orphanet 8378, MedGen C0085548, MeSH D017044, MONDO:0009889.

Allele frequency attached by ClinVar (database versions not stated): ExAC 0.00001; TOPMed 0.00002; gnomAD 0.00002.
gnomAD v4.1: 6 of 1,613,560 alleles (0.00037%); highest among the groups gnomAD compares: East Asian, 0.013%; no homozygotes.

Submissions (6):

Natera, Inc.
Classification: Likely pathogenic for Autosomal recessive polycystic kidney disease. Last evaluated: 2026-01-21. Review status: criteria provided, single submitter. Criteria: Natera Variant Classification Schema (03/2026). Collection method: clinical testing. Allele origin: germline.
Comment: The c.9059T>C variant in PKHD1 is a missense variant predicted to cause substitution of leucine to proline at amino acid 3020. This variant is rare in the general population with a frequency below the threshold expected for the associated phenotype(s). This variant has been observed in one or more individuals affected with the associated recessive disease, as either homozygous or compound heterozygous with a second variant (PMID: 25153916, 33123899). Additionally, this variant has been observed to segregate in affected family members (PMID: 25153916). Computational prediction algorithms indicate this variant is likely to affect gene or protein function. Given the available evidence, this variant is classified as Likely Pathogenic.

PreventionGenetics, part of Exact Sciences
Classification: Uncertain significance for PKHD1-related condition. Last evaluated: 2025-04-16. Review status: criteria provided, single submitter. Criteria: ACMG Guidelines, 2015. Collection method: clinical testing. Allele origin: germline.
Comment: The PKHD1 c.9059T>C variant is predicted to result in the amino acid substitution p.Leu3020Pro. This variant was reported in the compound heterozygous state with a known pathogenic variant c.274C>T (p.Arg92Trp) in a fetus with autosomal recessive polycystic kidney disease (ARPKD) (Xu et al. 2014. PubMed ID: 25153916). This variant is reported in 0.025% of alleles in individuals of East Asian descent in gnomAD. The REVEL (rare exome variant ensemble learner) program predicts the p.Leu3020Pro variant is pathogenic at a "moderate" level (Ioannidis et al. 2016. PubMed ID: 27666373; Bergquist et al. 2024. PubMed ID: 39345488). Although we suspect that this variant may be pathogenic, at this time, the clinical significance of this variant is uncertain due to the absence of conclusive functional and genetic evidence.

GeneDx
Classification: Uncertain significance. Last evaluated: 2025-03-24. Review status: criteria provided, single submitter. Criteria: GeneDx Variant Classification Process June 2021. Collection method: clinical testing. Allele origin: germline. Affected: yes.
Comment: In silico analysis supports that this missense variant has a deleterious effect on protein structure/function; This variant is associated with the following publications: (PMID: 25153916, 37872485, 33123899)

Labcorp Genetics (formerly Invitae), Labcorp
Classification: Likely pathogenic for Autosomal recessive polycystic kidney disease. Last evaluated: 2024-01-22. Review status: criteria provided, single submitter. Criteria: Invitae Variant Classification Sherloc (09022015). Collection method: clinical testing. Allele origin: germline.
Comment: This sequence change replaces leucine, which is neutral and non-polar, with proline, which is neutral and non-polar, at codon 3020 of the PKHD1 protein (p.Leu3020Pro). This variant is present in population databases (rs757148837, gnomAD 0.02%). This missense change has been observed in individual(s) with autosomal recessive polycystic kidney disease (PMID: 25153916). In at least one individual the data is consistent with being in trans (on the opposite chromosome) from a pathogenic variant. ClinVar contains an entry for this variant (Variation ID: 558358). Advanced modeling of protein sequence and biophysical properties (such as structural, functional, and spatial information, amino acid conservation, physicochemical variation, residue mobility, and thermodynamic stability) has been performed at Invitae for this missense variant, however the output from this modeling did not meet the statistical confidence thresholds required to predict the impact of this variant on PKHD1 protein function. In summary, the currently available evidence indicates that the variant is pathogenic, but additional data are needed to prove that conclusively. Therefore, this variant has been classified as Likely Pathogenic.

Juno Genomics, Hangzhou Juno Genomics, Inc
Classification: Likely pathogenic for Polycystic kidney disease 4. Review status: criteria provided, single submitter. Criteria: ACMG Guidelines, 2015. Collection method: clinical testing. Allele origin: germline. Affected: yes.
Comment: Absent from controls (or at extremely low frequency if recessive) in Genome Aggregation Database.;Multiple lines of computational evidence support a deleterious effect on the gene or gene product.;For recessive disorders, detected in trans with a pathogenic variant.;Patient's phenotype or family history is highly specific for a disease with a single genetic etiology.;Co-segregation with disease in multiple affected family members.

Counsyl
Classification: Uncertain significance for Polycystic kidney disease 4. Last evaluated: 2018-05-21. Review status: no assertion criteria provided. Collection method: clinical testing. Allele origin: unknown. Not counted in ClinVar's aggregate classification.

Literature cited by the submitters: PubMed 25153916 (cited by 3 submitters); PubMed 33123899 (cited by Natera, Inc.).

NM_138694.4(PKHD1):c.9059T>C (p.Leu3020Pro)

Gene: PKHD1 (PKHD1 ciliary IPT domain containing fibrocystin/polyductin; minus strand). Cytogenetic location: 6p12.3.
Variant type: single nucleotide variant.
Coding change: c.9059T>C on transcript NM_138694.4 (MANE Select); coding-DNA position 9059, T replaced by C.
Protein change: p.Leu3020Pro; replaces leucine 3020 with proline.
Molecular consequence: missense variant.
Genome position (GRCh38, 1-based): chr6:51,748,557, A>G on the plus strand (T>C on the coding strand, the complement: PKHD1 is on the minus strand). VCF-style: chr6-51748557-A-G. GRCh37 (hg19) VCF-style: chr6-51613355-A-G.
Other names: c.9059T>C, p.Leu3020Pro (NM_170724.3); short protein forms L3020P.
Identifiers: ClinVar variation 558358 (VCV000558358.13), dbSNP rs757148837, ClinGen allele CA3851455.